The following is an entry in ClinVar:

ClinVar aggregate classification (germline): Uncertain significance. Review status: criteria provided, multiple submitters, no conflicts (2 of 4 stars). 2 submissions from 2 submitters: Uncertain significance (2). Last evaluated 2025-11-27.

Conditions:
Hereditary cancer-predisposing syndrome. Also called: Hereditary neoplastic syndrome; Neoplastic Syndromes, Hereditary; Tumor predisposition; Hereditary Cancer Syndrome. Identifiers: Orphanet 140162, MedGen C0027672, MeSH D009386, MONDO:0015356.

gnomAD v4.1: 2 of 1,603,388 alleles (0.00012%); highest among the groups gnomAD compares: African/African-American, 0.0013%; no homozygotes.

Submissions (2):

Labcorp Genetics (formerly Invitae), Labcorp
Classification: Uncertain significance. Last evaluated: 2025-11-27. Review status: criteria provided, single submitter. Criteria: Invitae Variant Classification Sherloc (09022015). Collection method: clinical testing. Allele origin: germline.
Comment: This sequence change replaces leucine, which is neutral and non-polar, with valine, which is neutral and non-polar, at codon 18 of the CTNNA1 protein (p.Leu18Val). This variant is not present in population databases (gnomAD no frequency). This variant has not been reported in the literature in individuals affected with CTNNA1-related conditions. ClinVar contains an entry for this variant (Variation ID: 949427). Invitae Evidence Modeling of protein sequence and biophysical properties (such as structural, functional, and spatial information, amino acid conservation, physicochemical variation, residue mobility, and thermodynamic stability) has been performed for this missense variant. However, the output from this modeling did not meet the statistical confidence thresholds required to predict the impact of this variant on CTNNA1 protein function. In summary, the available evidence is currently insufficient to determine the role of this variant in disease. Therefore, it has been classified as a Variant of Uncertain Significance.

Ambry Genetics
Classification: Uncertain significance for Hereditary cancer-predisposing syndrome. Last evaluated: 2024-11-04. Review status: criteria provided, single submitter. Criteria: Ambry Variant Classification Scheme 2023. Collection method: clinical testing. Allele origin: germline.
Comment: The p.L18V variant (also known as c.52C>G), located in coding exon 1 of the CTNNA1 gene, results from a C to G substitution at nucleotide position 52. The leucine at codon 18 is replaced by valine, an amino acid with highly similar properties. This amino acid position is highly conserved in available vertebrate species. In addition, the in silico prediction for this alteration is inconclusive. The evidence for this gene-disease relationship is limited; therefore, the clinical significance of this alteration is unclear.

NM_001903.5(CTNNA1):c.52C>G (p.Leu18Val)

Gene: CTNNA1 (catenin alpha 1; plus strand). Cytogenetic location: 5q31.2.
Variant type: single nucleotide variant.
Coding change: c.52C>G on transcript NM_001903.5 (MANE Select); coding-DNA position 52, C replaced by G.
Protein change: p.Leu18Val; replaces leucine 18 with valine.
Molecular consequence: missense variant. On other transcripts: 5 prime UTR variant (2).
Genome position (GRCh38, 1-based): chr5:138,781,976, C>G. VCF-style: chr5-138781976-C-G. GRCh37 (hg19) VCF-style: chr5-138117665-C-G.
Other names: c.52C>G, p.Leu18Val (NM_001290307.3, NM_001323982.2, NM_001323983.1 and 3 more transcripts); c.-62C>G (NM_001290309.3); c.-155C>G (NM_001290310.3); short protein forms L18V.
Identifiers: ClinVar variation 949427 (VCV000949427.11), dbSNP rs1755160879, ClinGen allele CA361477135.